The following is an entry in ClinVar:

NM_001278116.2(L1CAM):c.2092G>C (p.Gly698Arg)

Gene: L1CAM (L1 cell adhesion molecule; minus strand). Cytogenetic location: Xq28.
Variant type: single nucleotide variant.
Coding change: c.2092G>C on transcript NM_001278116.2 (MANE Select); coding-DNA position 2092, G replaced by C.
Protein change: p.Gly698Arg; replaces glycine 698 with arginine.
Molecular consequence: missense variant.
Genome position (GRCh38, 1-based): chrX:153,867,401, C>G on the plus strand (G>C on the coding strand, the complement: L1CAM is on the minus strand). VCF-style: chrX-153867401-C-G. GRCh37 (hg19) VCF-style: chrX-153132856-C-G.
Other names: c.2092G>C, p.Gly698Arg (NM_000425.5, NM_024003.3); c.2077G>C, p.Gly693Arg (NM_001143963.2); short protein forms G693R, G698R.
Identifiers: ClinVar variation 3347405 (VCV003347405.1).

ClinVar aggregate classification (germline): Likely pathogenic (0 of 4 stars; one submission).

Conditions:
L1CAM-related disorder. Also called: L1CAM-related condition.

Submission:

PreventionGenetics, part of Exact Sciences
Classification: Likely pathogenic for L1CAM-related condition. Last evaluated: 2024-08-22. Review status: no assertion criteria provided. Collection method: clinical testing. Allele origin: germline.
Comment: The L1CAM c.2092G>C variant is predicted to result in the amino acid substitution p.Gly698Arg. To our knowledge, this variant has not been reported in the literature or in a large population database, indicating this variant is rare. However, another variant leading to the same amino acid substitution has been reported in multiple unrelated individuals with X-linked hydrocephalus (Du et al 1998. PubMed ID: 9521424; Itoh et al 2011. PubMed ID: 21688291; Fernández et al 2012. PubMed ID: 22344793; De Angelis et al 2002. PubMed ID: 11772994). This variant is interpreted to be likely pathogenic.